The following is an entry in ClinVar:

ClinVar aggregate classification (germline): Benign (1 of 4 stars; one submission).

Conditions:
Diaphyseal medullary stenosis-bone malignancy syndrome. Also called: MYOPATHY, LIMB-GIRDLE, WITH BONE FRAGILITY; BONE DYSPLASIA WITH MALIGNANT FIBROUS HISTIOCYTOMA; BONE DYSPLASIA WITH MEDULLARY FIBROSARCOMA. Identifiers: Orphanet 85182, MedGen C1862177, MONDO:0007205, OMIM 112250.

Allele frequency attached by ClinVar (database versions not stated): gnomAD exomes 0.00130; 1000 Genomes Project 0.01158; gnomAD 0.01200 and 0.01292; 1000 Genomes Project 30x 0.01234; TOPMed 0.01363.
gnomAD v4.1: 2,917 of 985,446 alleles (0.3%); highest among the groups gnomAD compares: African/African-American, 4.4%; 50 homozygotes.

Submission:

Illumina Laboratory Services, Illumina
Classification: Benign for Diaphyseal medullary stenosis-bone malignancy syndrome. Last evaluated: 2018-01-12. Review status: criteria provided, single submitter. Criteria: ICSL Variant Classification Criteria 13 December 2019. Collection method: clinical testing. Allele origin: germline.
Comment: This variant was observed in the ICSL laboratory as part of a predisposition screen in an ostensibly healthy population. It had not been previously curated by ICSL or reported in the Human Gene Mutation Database (HGMD: prior to June 1st, 2018), and was therefore a candidate for classification through an automated scoring system. Utilizing variant allele frequency, disease prevalence and penetrance estimates, and inheritance mode, an automated score was calculated to assess if this variant is too frequent to cause the disease. Based on the score and internal cut-off values, a variant classified as benign is not then subjected to further curation. The score for this variant resulted in a classification of benign for this disease.

NM_002451.4(MTAP):c.*2873C>T

Gene: MTAP (methylthioadenosine phosphorylase; plus strand). Cytogenetic location: 9p21.3.
Variant type: single nucleotide variant.
Coding change: c.*2873C>T on transcript NM_002451.4 (MANE Select); 2873 bases downstream of the stop codon, C replaced by T.
Molecular consequence: 3 prime UTR variant.
Genome position (GRCh38, 1-based): chr9:21,864,887, C>T. VCF-style: chr9-21864887-C-T. GRCh37 (hg19) VCF-style: chr9-21864886-C-T.
Identifiers: ClinVar variation 366302 (VCV000366302.5), dbSNP rs75664572, ClinGen allele CA10633552.